The following is an entry in ClinVar:

NM_021625.5(TRPV4):c.871C>T (p.Leu291=)

Gene: TRPV4 (transient receptor potential cation channel subfamily V member 4; minus strand). Cytogenetic location: 12q24.11.
Variant type: single nucleotide variant.
Coding change: c.871C>T on transcript NM_021625.5 (MANE Select); coding-DNA position 871, C replaced by T.
Protein change: p.Leu291=; no amino-acid change (leucine 291 retained).
Molecular consequence: synonymous variant.
Genome position (GRCh38, 1-based): chr12:109,798,895, G>A on the plus strand (C>T on the coding strand, the complement: TRPV4 is on the minus strand). VCF-style: chr12-109798895-G-A. GRCh37 (hg19) VCF-style: chr12-110236700-G-A.
Other names: c.730C>T, p.Leu244= (NM_001177433.2, NM_001177428.2); c.871C>T, p.Leu291= (NM_147204.3); c.769C>T, p.Leu257= (NM_001177431.2).
Identifiers: ClinVar variation 382659 (VCV000382659.3), dbSNP rs1057521414, ClinGen allele CA16606368.

ClinVar aggregate classification (germline): Likely benign. Review status: criteria provided, multiple submitters, no conflicts (2 of 4 stars). 2 submissions from 2 submitters: Likely benign (2). Last evaluated 2019-07-11.

Conditions:
Inborn genetic diseases. Identifiers: MedGen C0950123, MeSH D030342.

Submissions (2):

Ambry Genetics
Classification: Likely benign for Inborn genetic diseases. Last evaluated: 2019-07-11. Review status: criteria provided, single submitter. Criteria: Ambry Variant Classification Scheme 2023. Collection method: clinical testing. Allele origin: germline.

GeneDx
Classification: Likely benign. Last evaluated: 2016-01-07. Review status: criteria provided, single submitter. Criteria: GeneDx Variant Classification (06012015). Collection method: clinical testing. Allele origin: germline. Affected: yes.
Comment: This variant is considered likely benign or benign based on one or more of the following criteria: it is a conservative change, it occurs at a poorly conserved position in the protein, it is predicted to be benign by multiple in silico algorithms, and/or has population frequency not consistent with disease.